The following is an entry in ClinVar:

NM_005609.4(PYGM):c.2275_2282del (p.Phe759fs)

Gene: PYGM (glycogen phosphorylase, muscle associated; minus strand). Cytogenetic location: 11q13.1.
Variant type: Deletion.
Coding change: c.2275_2282del on transcript NM_005609.4 (MANE Select); coding-DNA positions 2275 to 2282, 8 bases deleted (TTCAAGGA; older notation c.2275_2282delTTCAAGGA).
Protein change: p.Phe759fs; shifts the reading frame from phenylalanine 759.
Molecular consequence: frameshift variant.
Genome position (GRCh38, 1-based): chr11:64,747,254-64,747,261, TCCTTGAA deleted on the plus strand (TTCAAGGA on the coding strand, the reverse complement: PYGM is on the minus strand). VCF-style (leftmost placement, unchanged base first): chr11-64747253-GTCCTTGAA-G. GRCh37 (hg19) VCF-style: chr11-64514725-GTCCTTGAA-G.
Other names: c.2011_2018del, p.Phe671fs (NM_001164716.1); short protein forms F671fs, F759fs.
Identifiers: ClinVar variation 2089768 (VCV002089768.5), dbSNP rs2496639193, ClinGen allele CA2580084410.

ClinVar aggregate classification (germline): Pathogenic/Likely pathogenic. Review status: criteria provided, multiple submitters, no conflicts (2 of 4 stars). 2 submissions from 2 submitters: Pathogenic (1); Likely pathogenic (1). Last evaluated 2024-05-11.

Conditions:
Glycogen storage disease, type V (GSD5). Also called: McArdle type glycogen storage disease; MCARDLE DISEASE; MUSCLE GLYCOGEN PHOSPHORYLASE DEFICIENCY; MYOPHOSPHORYLASE DEFICIENCY; PYGM DEFICIENCY. Identifiers: Orphanet 368, MedGen C0017924, MONDO:0009293, OMIM 232600.

Submissions (2):

Fulgent Genetics
Classification: Likely pathogenic for Glycogen storage disease, type V. Last evaluated: 2024-05-11. Review status: criteria provided, single submitter. Criteria: ACMG Guidelines, 2015. Collection method: clinical testing. Allele origin: germline.

Labcorp Genetics (formerly Invitae), Labcorp
Classification: Pathogenic for Glycogen storage disease, type V. Last evaluated: 2022-02-04. Review status: criteria provided, single submitter. Criteria: Invitae Variant Classification Sherloc (09022015). Collection method: clinical testing. Allele origin: germline.
Comment: This variant is not present in population databases (gnomAD no frequency). This sequence change creates a premature translational stop signal (p.Phe759Hisfs*9) in the PYGM gene. It is expected to result in an absent or disrupted protein product. Loss-of-function variants in PYGM are known to be pathogenic (PMID: 8316268, 16786513). This variant has not been reported in the literature in individuals affected with PYGM-related conditions. For these reasons, this variant has been classified as Pathogenic.

Literature cited by the submitters: PubMed 8316268 (cited by Labcorp Genetics (formerly Invitae), Labcorp); PubMed 16786513 (cited by Labcorp Genetics (formerly Invitae), Labcorp).